The following is an entry in ClinVar:

ClinVar aggregate classification (germline): Uncertain significance. Review status: criteria provided, multiple submitters, no conflicts (2 of 4 stars). 4 submissions from 4 submitters: Uncertain significance (4). Last evaluated 2024-11-05.

Conditions:
Inborn genetic diseases. Identifiers: MedGen C0950123, MeSH D030342.
Developmental and epileptic encephalopathy, 18 (DEE18). Also called: Early infantile epileptic encephalopathy 18. Identifiers: Orphanet 369894, MedGen C3809624, MONDO:0014201, OMIM 615476.

Allele frequency attached by ClinVar (database versions not stated): TOPMed 0.00001; ExAC 0.00001; gnomAD 0.00001; gnomAD exomes 0.00004 and 0.00001.
gnomAD v4.1: 65 of 1,613,892 alleles (0.004%); highest among the groups gnomAD compares: Non-Finnish European, 0.0054%; no homozygotes.

Submissions (4):

Labcorp Genetics (formerly Invitae), Labcorp
Classification: Uncertain significance. Last evaluated: 2024-11-05. Review status: criteria provided, single submitter. Criteria: Invitae Variant Classification Sherloc (09022015). Collection method: clinical testing. Allele origin: germline.
Comment: This sequence change replaces threonine, which is neutral and polar, with serine, which is neutral and polar, at codon 85 of the SZT2 protein (p.Thr85Ser). This variant is present in population databases (rs763499985, gnomAD 0.002%). This variant has not been reported in the literature in individuals affected with SZT2-related conditions. ClinVar contains an entry for this variant (Variation ID: 840057). Invitae Evidence Modeling of protein sequence and biophysical properties (such as structural, functional, and spatial information, amino acid conservation, physicochemical variation, residue mobility, and thermodynamic stability) indicates that this missense variant is not expected to disrupt SZT2 protein function with a negative predictive value of 80%. In summary, the available evidence is currently insufficient to determine the role of this variant in disease. Therefore, it has been classified as a Variant of Uncertain Significance.

Genome-Nilou Lab
Classification: Uncertain significance for Developmental and epileptic encephalopathy, 18. Last evaluated: 2023-04-11. Review status: criteria provided, single submitter. Criteria: ACMG Guidelines, 2015. Collection method: clinical testing. Allele origin: germline. Affected: no.

Ambry Genetics
Classification: Uncertain significance for Inborn genetic diseases. Last evaluated: 2022-11-03. Review status: criteria provided, single submitter. Criteria: Ambry Variant Classification Scheme 2023. Collection method: clinical testing. Allele origin: germline.

GeneDx
Classification: Uncertain significance. Last evaluated: 2019-11-19. Review status: criteria provided, single submitter. Criteria: GeneDx Variant Classification Process June 2021. Collection method: clinical testing. Allele origin: germline. Affected: yes.
Comment: Not observed at a significant frequency in large population cohorts (Lek et al., 2016); In silico analysis, which includes protein predictors and evolutionary conservation, supports a deleterious effect; Has not been previously published as pathogenic or benign to our knowledge

NM_001365999.1(SZT2):c.253A>T (p.Thr85Ser)

Gene: SZT2 (SZT2 subunit of KICSTOR complex; plus strand). Cytogenetic location: 1p34.2.
Variant type: single nucleotide variant.
Coding change: c.253A>T on transcript NM_001365999.1 (MANE Select); coding-DNA position 253, A replaced by T.
Protein change: p.Thr85Ser; replaces threonine 85 with serine.
Molecular consequence: missense variant.
Genome position (GRCh38, 1-based): chr1:43,403,700, A>T. VCF-style: chr1-43403700-A-T. GRCh37 (hg19) VCF-style: chr1-43869371-A-T.
Other names: c.253A>T, p.Thr85Ser (NM_015284.4); short protein forms T85S.
Identifiers: ClinVar variation 840057 (VCV000840057.13), dbSNP rs763499985, ClinGen allele CA808117.